The following is an entry in ClinVar:

ClinVar aggregate classification (germline): Uncertain significance (1 of 4 stars; one submission).

Submission:

Labcorp Genetics (formerly Invitae), Labcorp
Classification: Uncertain significance. Last evaluated: 2022-11-12. Review status: criteria provided, single submitter. Criteria: Invitae Variant Classification Sherloc (09022015). Collection method: clinical testing. Allele origin: germline.
Comment: This sequence change replaces valine, which is neutral and non-polar, with isoleucine, which is neutral and non-polar, at codon 224 of the SLC12A6 protein (p.Val224Ile). This variant is not present in population databases (gnomAD no frequency). This variant has not been reported in the literature in individuals affected with SLC12A6-related conditions. Advanced modeling of protein sequence and biophysical properties (such as structural, functional, and spatial information, amino acid conservation, physicochemical variation, residue mobility, and thermodynamic stability) performed at Invitae indicates that this missense variant is not expected to disrupt SLC12A6 protein function. In summary, the available evidence is currently insufficient to determine the role of this variant in disease. Therefore, it has been classified as a Variant of Uncertain Significance.

NM_001365088.1(SLC12A6):c.670G>A (p.Val224Ile)

Genes: SLC12A6 (solute carrier family 12 member 6; minus strand), LOC129390683 (MPRA-validated peak2292 silencer; plus strand). Cytogenetic location: 15q14.
Variant type: single nucleotide variant.
Coding change: c.670G>A on transcript NM_001365088.1 (MANE Select); coding-DNA position 670, G replaced by A.
Protein change: p.Val224Ile; replaces valine 224 with isoleucine.
Molecular consequence: missense variant.
Genome position (GRCh38, 1-based): chr15:34,257,662, C>T on the plus strand (G>A on the coding strand, the complement: SLC12A6 is on the minus strand). VCF-style: chr15-34257662-C-T. GRCh37 (hg19) VCF-style: chr15-34549863-C-T.
Other names: c.493G>A, p.Val165Ile (NM_001042494.2, NM_001042495.2); c.643G>A, p.Val215Ile (NM_001042496.2); c.625G>A, p.Val209Ile (NM_001042497.2); c.517G>A, p.Val173Ile (NM_005135.2); c.670G>A, p.Val224Ile (NM_133647.2); short protein forms V165I, V209I, V173I, V224I, V215I.
Identifiers: ClinVar variation 2775944 (VCV002775944.3), dbSNP rs2509832289, ClinGen allele CA391611709.
Genomic context (GRCh38, chr15:34,257,662, plus strand): 5'-CAACGTTCAGGTGATCTCTAGGAGCCAGTGCAGTACTTACACAGCAGCAGCAGATAAGGA[C>T]AATTGCAAAAGCCTGAAGAACTCCAGCTGTGCCCACCACCCATGTAAGGCGTAAAAAAAG-3'
Protein context (NP_001352017.1, residues 214-234): TAGVLQAFAI[Val224Ile]LICCCCTMLT